The following is an entry in ClinVar:

ClinVar aggregate classification (germline): Likely benign. Review status: criteria provided, multiple submitters, no conflicts (2 of 4 stars). 2 submissions from 2 submitters: Likely benign (2). Last evaluated 2026-07-07.

Conditions:
UNC45A-related disorder. Also called: UNC45A-related condition.

Allele frequency attached by ClinVar (database versions not stated): gnomAD 0.00001; gnomAD exomes 0.00001 and 0.00004; ExAC 0.00003; TOPMed 0.00004.
gnomAD v4.1: 22 of 1,610,038 alleles (0.0014%); highest among the groups gnomAD compares: Admixed American, 0.02%; no homozygotes.

Submissions (2):

PreventionGenetics, part of Exact Sciences
Classification: Likely benign for UNC45A-related condition. Last evaluated: 2026-07-07. Review status: criteria provided, single submitter. Criteria: ACMG Guidelines, 2015. Collection method: clinical testing. Allele origin: germline.
Comment: This variant is classified as likely benign based on ACMG/AMP sequence variant interpretation guidelines (Richards et al. 2015 PMID: 25741868, with internal and published modifications).

Labcorp Genetics (formerly Invitae), Labcorp
Classification: Likely benign. Last evaluated: 2024-10-26. Review status: criteria provided, single submitter. Criteria: Invitae Variant Classification Sherloc (09022015). Collection method: clinical testing. Allele origin: germline.

NM_018671.5(UNC45A):c.1879-9C>T

Gene: UNC45A (unc-45 myosin chaperone A; plus strand). Cytogenetic location: 15q26.1.
Variant type: single nucleotide variant.
Coding change: c.1879-9C>T on transcript NM_018671.5 (MANE Select); 9 bases into the intron before coding-DNA position 1879, C replaced by T.
Molecular consequence: intron variant.
Genome position (GRCh38, 1-based): chr15:90,949,307, C>T. VCF-style: chr15-90949307-C-T. GRCh37 (hg19) VCF-style: chr15-91492537-C-T.
Other names: c.1834-9C>T (NM_001039675.2, NM_001323621.2); c.1879-9C>T (NM_001323619.1); c.1444-9C>T (NM_001323620.2).
Identifiers: ClinVar variation 1621980 (VCV001621980.9), dbSNP rs765095791, ClinGen allele CA7743107.